The following is an entry in ClinVar:

NM_000528.4(MAN2B1):c.748G>T (p.Ala250Ser)

Gene: MAN2B1 (mannosidase alpha class 2B member 1; minus strand). Cytogenetic location: 19p13.13.
Variant type: single nucleotide variant.
Coding change: c.748G>T on transcript NM_000528.4 (MANE Select); coding-DNA position 748, G replaced by T.
Protein change: p.Ala250Ser; replaces alanine 250 with serine.
Molecular consequence: missense variant.
Genome position (GRCh38, 1-based): chr19:12,663,718, C>A on the plus strand (G>T on the coding strand, the complement: MAN2B1 is on the minus strand). VCF-style: chr19-12663718-C-A. GRCh37 (hg19) VCF-style: chr19-12774532-C-A.
Other names: c.748G>T, p.Ala250Ser (NM_001173498.2); short protein forms A250S.
Identifiers: ClinVar variation 712406 (VCV000712406.17), dbSNP rs3745650, ClinGen allele CA9226726.
Genomic context (GRCh38, chr19:12,663,718, plus strand): 5'-AGTGTGTGGCACCATGGCTGGCCCTGCCCTCACCAAGCCCCCTACCAGTGAAGAGGTCCG[C>A]GGTCGGGGGCTTCAGGCTGGTGCTGGCCCGCCACACCTGCTCCATCTCCAGCTTCTGCAT-3'
Protein context (NP_000519.2, residues 240-260): RASTSLKPPT[Ala250Ser]DLFTGVLPNG

ClinVar aggregate classification (germline): Benign. Review status: criteria provided, multiple submitters, no conflicts (2 of 4 stars). 4 submissions from 4 submitters: Benign (2). 2 of the submissions do not count toward it. Last evaluated 2026-01-28.

Conditions:
MAN2B1-related disorder. Also called: MAN2B1-related condition.
Deficiency of alpha-mannosidase (MANSA). Also called: Alpha-Mannosidosis; LYSOSOMAL ALPHA-D-MANNOSIDASE DEFICIENCY; Mannosidosis, alpha-, types I and II. Identifiers: Orphanet 61, MedGen C0024748, MONDO:0009561, OMIM 248500.

Allele frequency attached by ClinVar (database versions not stated): gnomAD 0.00036; TOPMed 0.00120; 1000 Genomes Project 30x 0.00312; 1000 Genomes Project 0.00359.
gnomAD v4.1: 1,201 of 1,612,080 alleles (0.075%); highest among the groups gnomAD compares: East Asian, 2.6%; 22 homozygotes.

Submissions (4):

Labcorp Genetics (formerly Invitae), Labcorp
Classification: Benign for Deficiency of alpha-mannosidase. Last evaluated: 2026-01-28. Review status: criteria provided, single submitter. Criteria: Invitae Variant Classification Sherloc (09022015). Collection method: clinical testing. Allele origin: germline.

Illumina Laboratory Services, Illumina
Classification: Benign for Deficiency of alpha-mannosidase. Last evaluated: 2018-01-13. Review status: criteria provided, single submitter. Criteria: ICSL Variant Classification Criteria 13 December 2019. Collection method: clinical testing. Allele origin: germline.
Comment: This variant was observed in the ICSL laboratory as part of a predisposition screen in an ostensibly healthy population. It had not been previously curated by ICSL or reported in the Human Gene Mutation Database (HGMD: prior to June 1st, 2018), and was therefore a candidate for classification through an automated scoring system. Utilizing variant allele frequency, disease prevalence and penetrance estimates, and inheritance mode, an automated score was calculated to assess if this variant is too frequent to cause the disease. Based on the score and internal cut-off values, a variant classified as benign is not then subjected to further curation. The score for this variant resulted in a classification of benign for this disease.

Natera, Inc.
Classification: Benign for Alpha-mannosidosis. Last evaluated: 2019-11-11. Review status: no assertion criteria provided. Collection method: clinical testing. Allele origin: germline. Not counted in ClinVar's aggregate classification.

PreventionGenetics, part of Exact Sciences
Classification: Benign for MAN2B1-related condition. Last evaluated: 2019-04-25. Review status: no assertion criteria provided. Collection method: clinical testing. Allele origin: germline. Not counted in ClinVar's aggregate classification.
Comment: This variant is classified as benign based on ACMG/AMP sequence variant interpretation guidelines (Richards et al. 2015 PMID: 25741868, with internal and published modifications).